The following is an entry in ClinVar:

ClinVar aggregate classification (germline): Pathogenic (1 of 4 stars; one submission).

Conditions:
Congenital adrenal hypoplasia, X-linked (AHC). Also called: Isolated X-Linked Adrenal Hypoplasia Congenita; ADRENAL HYPOPLASIA, CONGENITAL, WITH HYPOGONADOTROPIC HYPOGONADISM; X-Linked Adrenal Hypoplasia Congenita; X-linked AHC. Identifiers: Orphanet 95702, MedGen C0342482, MONDO:0010264, OMIM 300200. Disease mechanism: loss of function.
46,XY sex reversal 2. Also called: 46XY sex reversal 2, dosage-sensitive; NR0B1-Related 46,XY CGD; NR0B1-related 46,XY complete gonadal dysgenesis; 46,XY SEX REVERSAL, DAX1-RELATED; Dosage-sensitive sex reversal. Identifiers: MedGen C1848296, MONDO:0010226, OMIM 300018.

Submissions (2):

Labcorp Genetics (formerly Invitae), Labcorp
Classification: Pathogenic for Congenital adrenal hypoplasia, X-linked; 46,XY sex reversal 2. Last evaluated: 2020-07-21. Review status: criteria provided, single submitter. Criteria: Invitae Variant Classification Sherloc (09022015). Collection method: clinical testing. Allele origin: germline.
Comment: This sequence change creates a premature translational stop signal (p.Gln76*) in the NR0B1 gene. It is expected to result in an absent or disrupted protein product. For these reasons, this variant has been classified as Pathogenic. Loss-of-function variants in NR0B1 are known to be pathogenic (PMID: 7990958, 15841486). Algorithms developed to predict the effect of sequence changes on RNA splicing suggest that this variant may create or strengthen a splice site, but this prediction has not been confirmed by published transcriptional studies. This variant has been observed in individual(s) with congenital adrenal hypoplasia (PMID: 19672728). It has also been observed to segregate with disease in related individuals. This variant is not present in population databases (ExAC no frequency).

Dr. Peter K. Rogan Lab, Western University
No classification provided (evidence only). Condition: Nonpapillary renal cell carcinoma. Review status: no classification provided. Collection method: in vitro. Allele origin: not applicable. Functional consequence: retained intron. Not counted in ClinVar's aggregate classification.

Literature cited by the submitters: PubMed 7990958 (cited by Labcorp Genetics (formerly Invitae), Labcorp); PubMed 15841486 (cited by Labcorp Genetics (formerly Invitae), Labcorp); PubMed 19672728 (cited by Labcorp Genetics (formerly Invitae), Labcorp).

NM_000475.5(NR0B1):c.226C>T (p.Gln76Ter)

Gene: NR0B1 (nuclear receptor subfamily 0 group B member 1; minus strand). Cytogenetic location: Xp21.2.
Variant type: single nucleotide variant.
Coding change: c.226C>T on transcript NM_000475.5 (MANE Select); coding-DNA position 226, C replaced by T.
Protein change: p.Gln76Ter; replaces glutamine 76 with a stop codon.
Molecular consequence: nonsense.
Genome position (GRCh38, 1-based): chrX:30,309,138, G>A on the plus strand (C>T on the coding strand, the complement: NR0B1 is on the minus strand). VCF-style: chrX-30309138-G-A. GRCh37 (hg19) VCF-style: chrX-30327255-G-A.
Other names: short protein forms Q76*.
Identifiers: ClinVar variation 1075657 (VCV001075657.10), dbSNP rs2147007353, ClinGen allele CA412549204.
Genomic context (GRCh38, chrX:30,309,138, plus strand): 5'-CCTTCGGTGCCGCGTACGTTTGCTTTGCGCTCGTCAGCATGCTGTAGAGGATGCTGCCCT[G>A]CCGTGGGTGGTCTTTACCGCAAAAGCAGCAGCGGTACAGGAGCGCCACGTTCCGCCCGCC-3'